The following is an entry in ClinVar:

NM_005477.3(HCN4):c.520C>T (p.Pro174Ser)

Gene: HCN4 (hyperpolarization activated cyclic nucleotide gated potassium channel 4; minus strand). Cytogenetic location: 15q24.1.
Variant type: single nucleotide variant.
Coding change: c.520C>T on transcript NM_005477.3 (MANE Select); coding-DNA position 520, C replaced by T.
Protein change: p.Pro174Ser; replaces proline 174 with serine.
Molecular consequence: missense variant.
Genome position (GRCh38, 1-based): chr15:73,367,751, G>A on the plus strand (C>T on the coding strand, the complement: HCN4 is on the minus strand). VCF-style: chr15-73367751-G-A. GRCh37 (hg19) VCF-style: chr15-73660092-G-A.
Other names: p.P174S:CCG>TCG; short protein forms P174S.
Identifiers: ClinVar variation 190787 (VCV000190787.17), dbSNP rs542532555, ClinGen allele CA301971.

ClinVar aggregate classification (germline): Uncertain significance. Review status: criteria provided, multiple submitters, no conflicts (2 of 4 stars). 6 submissions from 6 submitters: Uncertain significance (5). 1 of the submissions does not count toward it. Last evaluated 2026-01-14.

Conditions:
HCN4-related disorder. Also called: HCN4-related condition.
Cardiovascular phenotype. Identifiers: MedGen CN230736.
Epilepsy, idiopathic generalized, susceptibility to, 18. Identifiers: MedGen C5561983, MONDO:0030434, OMIM 619521.
Sick sinus syndrome 2, autosomal dominant (SSS2). Also called: ATRIAL FIBRILLATION WITH BRADYARRHYTHMIA; SICK SINUS SYNDROME 2; SICK SINUS SYNDROME 2 WITH OR WITHOUT CARDIAC NONCOMPACTION AND/OR ASCENDING AORTA DILATION; SINUS BRADYCARDIA SYNDROME, FAMILIAL, AUTOSOMAL DOMINANT; SINUS NODE DISEASE, FAMILIAL, AUTOSOMAL DOMINANT. Identifiers: Orphanet 166282, MedGen C1834144, MONDO:0008102, OMIM 163800.
Brugada syndrome 8 (BRGDA8). Identifiers: Orphanet 130, MedGen C2751083, MONDO:0013148, OMIM 613123.
Hypertrophic cardiomyopathy. Also called: HYPERTROPHIC MYOCARDIOPATHY. Identifiers: Orphanet 217569, MedGen C0007194, MeSH D002312, MONDO:0005045, HP:0001639.

Allele frequency attached by ClinVar (database versions not stated): TOPMed 0.00005; gnomAD 0.00007; gnomAD exomes 0.00010 and 0.00011; ExAC 0.00013; 1000 Genomes Project 30x 0.00016; 1000 Genomes Project 0.00020.
gnomAD v4.1: 156 of 1,558,488 alleles (0.01%); highest among the groups gnomAD compares: Non-Finnish European, 0.013%; no homozygotes.

Submissions (6):

Labcorp Genetics (formerly Invitae), Labcorp
Classification: Uncertain significance for Brugada syndrome 8. Last evaluated: 2026-01-14. Review status: criteria provided, single submitter. Criteria: Invitae Variant Classification Sherloc (09022015). Collection method: clinical testing. Allele origin: germline.
Comment: This sequence change replaces proline, which is neutral and non-polar, with serine, which is neutral and polar, at codon 174 of the HCN4 protein (p.Pro174Ser). This variant is present in population databases (rs542532555, gnomAD 0.02%). This variant has not been reported in the literature in individuals affected with HCN4-related conditions. ClinVar contains an entry for this variant (Variation ID: 190787). Invitae Evidence Modeling of protein sequence and biophysical properties (such as structural, functional, and spatial information, amino acid conservation, physicochemical variation, residue mobility, and thermodynamic stability) indicates that this missense variant is not expected to disrupt HCN4 protein function with a negative predictive value of 95%. In summary, the available evidence is currently insufficient to determine the role of this variant in disease. Therefore, it has been classified as a Variant of Uncertain Significance.

Ambry Genetics
Classification: Uncertain significance for Cardiovascular phenotype. Last evaluated: 2025-06-20. Review status: criteria provided, single submitter. Criteria: Ambry Variant Classification Scheme 2023. Collection method: clinical testing. Allele origin: germline.
Comment: The p.P174S variant (also known as c.520C>T), located in coding exon 1 of the HCN4 gene, results from a C to T substitution at nucleotide position 520. The proline at codon 174 is replaced by serine, an amino acid with similar properties. This variant has been detected in an individual reported to have sick sinus syndrome, bradycardia and resuscitated sudden cardiac death, and in an individual from an arrhythmia and cardiomyopathy cohort for whom clinical details were not provided (Jou CJ et al. Cell. Physiol. Biochem., 2017 Aug;42:2021-2029; Robyns T et al. Eur. J. Hum. Genet., 2017 12;25:1313-1323). In one in vivo study using a zebrafish model, this variant showed a lower degree of abnormal heart rate and pause rescue when compared to wild type (Jou CJ et al. Cell. Physiol. Biochem., 2017 Aug;42:2021-2029). This amino acid position is not well conserved in available vertebrate species, and serine is the reference amino acid in other vertebrate species. In addition, this alteration is predicted to be tolerated by in silico analysis. Since supporting evidence is limited at this time, the clinical significance of this alteration remains unclear.

Fulgent Genetics
Classification: Uncertain significance for Sick sinus syndrome 2, autosomal dominant; Brugada syndrome 8; Epilepsy, idiopathic generalized, susceptibility to, 18. Last evaluated: 2021-09-22. Review status: criteria provided, single submitter. Criteria: ACMG Guidelines, 2015. Collection method: clinical testing. Allele origin: unknown.

GeneDx
Classification: Uncertain significance. Last evaluated: 2020-12-28. Review status: criteria provided, single submitter. Criteria: GeneDx Variant Classification Process June 2021. Collection method: clinical testing. Allele origin: germline. Affected: yes.
Comment: Has been reported in one individual with sick sinus syndrome (Jou et al., 2017); Reported in ClinVar as a variant of uncertain significance (ClinVar Variant ID# 190787; Landrum et al., 2016); In silico analysis supports that this missense variant does not alter protein structure/function; Published functional studies using zebrafish embryos suggest that this variant is disease-causing (Jou et al., 2017); additional studies are needed to validate the effect of this variant; This variant is associated with the following publications: (PMID: 28803248)

Center for Human Genetics, University of Leuven
Classification: Uncertain significance for Hypertrophic cardiomyopathy. Last evaluated: 2017-04-30. Review status: criteria provided, single submitter. Criteria: ACMG Guidelines, 2015. Collection method: clinical testing. Allele origin: germline. Inheritance: Autosomal dominant inheritance. Affected: yes.

PreventionGenetics, part of Exact Sciences
Classification: Uncertain significance for HCN4-related condition. Last evaluated: 2024-08-07. Review status: no assertion criteria provided. Collection method: clinical testing. Allele origin: germline. Not counted in ClinVar's aggregate classification.
Comment: The HCN4 c.520C>T variant is predicted to result in the amino acid substitution p.Pro174Ser. This variant has been reported in individuals with hypertrophic cardiomyopathy or sick sinus syndrome (Jou et al. 2017. PubMed ID: 28803248; Robyns et al. 2017. PubMed ID: 29255176). In a zebrafish model, this variant was considered to be non-functional (Jou et al. 2017. PubMed ID: 28803248). This variant is reported in 0.018% of alleles in individuals of European (Non-Finnish) descent in gnomAD. At this time, the clinical significance of this variant is uncertain due to the absence of conclusive functional and genetic evidence.

Literature cited by the submitters: PubMed 28803248 (cited by Ambry Genetics); PubMed 29255176 (cited by Ambry Genetics).